The following is an entry in ClinVar:

NM_012330.4(KAT6B):c.5068A>G (p.Met1690Val)

Gene: KAT6B (lysine acetyltransferase 6B; plus strand). Cytogenetic location: 10q22.2.
Variant type: single nucleotide variant.
Coding change: c.5068A>G on transcript NM_012330.4 (MANE Select); coding-DNA position 5068, A replaced by G.
Protein change: p.Met1690Val; replaces methionine 1690 with valine.
Molecular consequence: missense variant.
Genome position (GRCh38, 1-based): chr10:75,029,892, A>G. VCF-style: chr10-75029892-A-G. GRCh37 (hg19) VCF-style: chr10-76789650-A-G.
Other names: c.4519A>G, p.Met1507Val (NM_001256468.2, NM_001370138.1); c.4192A>G, p.Met1398Val (NM_001256469.2, NM_001370139.1, NM_001370140.1 and 2 more transcripts); c.4030A>G, p.Met1344Val (NM_001370132.1); c.3379A>G, p.Met1127Val (NM_001370133.1); c.2983A>G, p.Met995Val (NM_001370134.1); c.2725A>G, p.Met909Val (NM_001370135.1); c.5068A>G, p.Met1690Val (NM_001370136.1, NM_001370137.1); c.4003A>G, p.Met1335Val (NM_001370143.1, NM_001370144.1); short protein forms M1127V, M1335V, M1344V, M1398V, M1507V, M1690V, M909V, M995V.
Identifiers: ClinVar variation 1329699 (VCV001329699.3), dbSNP rs775327432, ClinGen allele CA5565135.

ClinVar aggregate classification (germline): Uncertain significance. Review status: criteria provided, multiple submitters, no conflicts (2 of 4 stars). 2 submissions from 2 submitters: Uncertain significance (2). Last evaluated 2024-02-14.

Conditions:
Genitopatellar syndrome (GTPTS). Also called: ABSENT PATELLAE, SCROTAL HYPOPLASIA, RENAL ANOMALIES, FACIAL DYSMORPHISM, AND MENTAL RETARDATION; Genitopatellar syndrome (GPS). Identifiers: Orphanet 85201, MedGen C1853566, MONDO:0011640, OMIM 606170.
Blepharophimosis - intellectual disability syndrome, SBBYS type (SBBYSS). Also called: Young Simpson syndrome; Mental retardation unusual facies hypothyroidism; Say-Barber-Biesecker-Young-Simpson variant of Ohdo Syndrome; Ohdo syndrome, SBBYS variant; SBBYSS syndrome; Say-Barber-Biesecker Variant of Ohdo Syndrome. Identifiers: Orphanet 3047, MedGen C1863557, MONDO:0011365, OMIM 603736.

Allele frequency attached by ClinVar (database versions not stated): gnomAD exomes below 0.00001 and 0.00001; ExAC 0.00001.

Submissions (2):

Fulgent Genetics
Classification: Uncertain significance for Blepharophimosis - intellectual disability syndrome, SBBYS type; Genitopatellar syndrome. Last evaluated: 2024-02-14. Review status: criteria provided, single submitter. Criteria: ACMG Guidelines, 2015. Collection method: clinical testing. Allele origin: germline.

GeneDx
Classification: Uncertain significance. Last evaluated: 2021-06-21. Review status: criteria provided, single submitter. Criteria: GeneDx Variant Classification Process June 2021. Collection method: clinical testing. Allele origin: germline. Affected: yes.
Comment: Has not been previously published as pathogenic or benign to our knowledge; Missense variant in a gene in which most reported pathogenic variants are truncating/loss-of-function; In silico analysis supports that this missense variant has a deleterious effect on protein structure/function; This variant is associated with the following publications: (PMID: 11965546, 27535533)